The following is an entry in ClinVar:

ClinVar aggregate classification (germline): Conflicting classifications of pathogenicity. Review status: criteria provided, conflicting classifications (1 of 4 stars). 2 submissions from 2 submitters: Uncertain significance (1); Likely benign (1). Last evaluated 2024-11-15.

Conditions:
FG syndrome (FGS). Identifiers: MedGen C0220769, MONDO:0002010.
Familial thoracic aortic aneurysm and aortic dissection (TAAD). Also called: Thoracic aortic aneurysms and dissections. Identifiers: Orphanet 91387, MedGen C4707243, MONDO:0019625.

Allele frequency attached by ClinVar (database versions not stated): TOPMed below 0.00001; gnomAD 0.00001.
gnomAD v4.1: 1 of 1,204,726 alleles (0.000083%); highest among the groups gnomAD compares: Non-Finnish European, 0.00011%; no homozygotes.

Submissions (2):

Ambry Genetics
Classification: Likely benign for Familial thoracic aortic aneurysm and aortic dissection. Last evaluated: 2024-11-15. Review status: criteria provided, single submitter. Criteria: Ambry Variant Classification Scheme 2023. Collection method: clinical testing. Allele origin: germline.

Labcorp Genetics (formerly Invitae), Labcorp
Classification: Uncertain significance for FG syndrome. Last evaluated: 2021-03-22. Review status: criteria provided, single submitter. Criteria: Invitae Variant Classification Sherloc (09022015). Collection method: clinical testing. Allele origin: germline.
Comment: This variant has not been reported in the literature in individuals with MED12-related conditions. Advanced modeling of protein sequence and biophysical properties (such as structural, functional, and spatial information, amino acid conservation, physicochemical variation, residue mobility, and thermodynamic stability) performed at Invitae indicates that this missense variant is not expected to disrupt MED12 protein function. In summary, the available evidence is currently insufficient to determine the role of this variant in disease. Therefore, it has been classified as a Variant of Uncertain Significance. This variant is not present in population databases (ExAC no frequency). This sequence change replaces glutamic acid with aspartic acid at codon 1253 of the MED12 protein (p.Glu1253Asp). The glutamic acid residue is highly conserved and there is a small physicochemical difference between glutamic acid and aspartic acid.

NM_005120.3(MED12):c.3759G>T (p.Glu1253Asp)

Gene: MED12 (mediator complex subunit 12; plus strand). Cytogenetic location: Xq13.1.
Variant type: single nucleotide variant.
Coding change: c.3759G>T on transcript NM_005120.3 (MANE Select); coding-DNA position 3759, G replaced by T.
Protein change: p.Glu1253Asp; replaces glutamic acid 1253 with aspartic acid.
Molecular consequence: missense variant.
Genome position (GRCh38, 1-based): chrX:71,129,747, G>T. VCF-style: chrX-71129747-G-T. GRCh37 (hg19) VCF-style: chrX-70349597-G-T.
Other names: c.3759G>T (NM_005120.2); short protein forms E1253D.
Identifiers: ClinVar variation 1444689 (VCV001444689.9), dbSNP rs1350628654, ClinGen allele CA413522297.